The following is an entry in ClinVar:

NM_000138.5(FBN1):c.2446T>C (p.Cys816Arg)

Gene: FBN1 (fibrillin 1; minus strand). Cytogenetic location: 15q21.1.
Variant type: single nucleotide variant.
Coding change: c.2446T>C on transcript NM_000138.5 (MANE Select); coding-DNA position 2446, T replaced by C.
Protein change: p.Cys816Arg; replaces cysteine 816 with arginine.
Molecular consequence: missense variant.
Genome position (GRCh38, 1-based): chr15:48,495,562, A>G on the plus strand (T>C on the coding strand, the complement: FBN1 is on the minus strand). VCF-style: chr15-48495562-A-G. GRCh37 (hg19) VCF-style: chr15-48787759-A-G.
Other names: short protein forms C816R.
Identifiers: ClinVar variation 549084 (VCV000549084.14), dbSNP rs1555399206, ClinGen allele CA392334713.
Genomic context (GRCh38, chr15:48,495,562, plus strand): 5'-TTTCAGAAGAACATTCACAAATAAAAGAGCCTGGGCTGTTCTTGCAGACTCCATTAATGC[A>G]AGGACTTGATTCGCATTCATCAATGTCTGAAACAAAAACAGGTCTACATTACTGCTAAAA-3'
Protein context (NP_000129.3, residues 806-826): EDIDECESSP[Cys816Arg]INGVCKNSPG

ClinVar aggregate classification (germline): Pathogenic/Likely pathogenic. Review status: criteria provided, multiple submitters, no conflicts (2 of 4 stars). 5 submissions from 5 submitters: Pathogenic (3); Likely pathogenic (1). 1 of the submissions does not count toward it. Last evaluated 2022-11-18.

Conditions:
Familial thoracic aortic aneurysm and aortic dissection (TAAD). Also called: Thoracic aortic aneurysms and dissections. Identifiers: Orphanet 91387, MedGen C4707243, MONDO:0019625.
Marfan syndrome (MFS). Also called: Marfan syndrome type 1; Marfan syndrome, classic; Marfan's syndrome; FBN1-Related Marfan Syndrome; MARFAN SYNDROME, TYPE I. Identifiers: Orphanet 284963, Orphanet 558, MedGen C0024796, MONDO:0007947, OMIM 154700.

Submissions (5):

GeneDx
Classification: Likely pathogenic. Last evaluated: 2022-11-18. Review status: criteria provided, single submitter. Criteria: GeneDx Variant Classification Process June 2021. Collection method: clinical testing. Allele origin: germline. Affected: yes.
Comment: Haplotype analysis demonstrates segregation with disease in affected individuals from a single family in published literature (Lledo et al., 2006); Affects a cysteine residue within a calcium-binding EGF-like domain of the FBN1 gene, which may affect disulfide bonding and is predicted to alter the structure and function of the protein; cysteine substitutions in the calcium-binding EGF-like domains represent the majority of pathogenic missense changes associated with FBN1-related disorders (Collod-Beroud et al., 2003); In silico analysis supports that this missense variant has a deleterious effect on protein structure/function; Not observed at significant frequency in large population cohorts (gnomAD); This variant is associated with the following publications: (PMID: 12938084, 10486319, 18435798, 17027361)

Centre of Medical Genetics, University Hospital Muenster
Classification: Pathogenic. Last evaluated: 2022-09-29. Review status: criteria provided, single submitter. Criteria: ACMG Guidelines, 2015. Collection method: clinical testing. Allele origin: unknown. Affected: yes. Observed: 1 variant allele, 1 heterozygote.
Comment: ACMG categories: PS3,PM1,PM2,PM5,PP3,PP5

Labcorp Genetics (formerly Invitae), Labcorp
Classification: Pathogenic for Marfan syndrome; Familial thoracic aortic aneurysm and aortic dissection. Last evaluated: 2019-09-09. Review status: criteria provided, single submitter. Criteria: Invitae Variant Classification Sherloc (09022015). Collection method: clinical testing. Allele origin: germline.
Comment: This variant affects a cysteine residue in the EGF-like, TGFBP or hybrid motif domains of FBN1. Cysteine residues are believed to be involved in intramolecular disulfide bridges and have been shown to be important for FBN1 protein structure (PMID: 16905551, 19349279). In addition, missense substitutions affecting cysteine residues within these domains are significantly overrepresented among patients with Marfan syndrome (PMID: 16571647, 17701892). For these reasons, this variant has been classified as Pathogenic. Algorithms developed to predict the effect of missense changes on protein structure and function (SIFT, PolyPhen-2, Align-GVGD) all suggest that this variant is likely to be disruptive, but these predictions have not been confirmed by published functional studies and their clinical significance is uncertain. This variant has been observed in individuals affected with Marfan syndrome (PMID: 18435798, Invitae). ClinVar contains an entry for this variant (Variation ID: 549084). This variant is not present in population databases (ExAC no frequency). This sequence change replaces cysteine with arginine at codon 816 of the FBN1 protein (p.Cys816Arg). The cysteine residue is highly conserved and there is a large physicochemical difference between cysteine and arginine.

Neuberg Centre For Genomic Medicine, NCGM
Classification: Pathogenic for Marfan syndrome. Review status: criteria provided, single submitter. Criteria: ACMG Guidelines, 2015. Collection method: clinical testing. Allele origin: germline. Inheritance: Autosomal dominant inheritance. Affected: yes.
Comment: The observed missense variant c.2446T>Cp.Cys816Arg in FBN1 gene has been reported previously in individuals with Marfan syndrome. This variant affects a cysteine residue in the EGF-like, TGFBP or hybrid motif domains of FBN1. Cysteine residues are believed to be involved in intramolecular disulfide bridges and have been shown to be important for FBN1 protein structure Attanasio M, et al., 2008; Ono RN, et al., 2009. This variant is present in a mutational hotspot. Different amino acid changes p.Cys816Tyr, p.Cys816Trp affecting teh same codon have been previously reported as pathogenic Stheneur C, et al., 2009; Lerner-Ellis JP, et al., 2014. This variant is absent in the gnomAD Exomes. This variant has been reported to the ClinVar database as Pathogenic/Likely Pathogenic. The amino acid Cys at position 816 is changed to a Arg changing protein sequence and it might alter its composition and physico-chemical properties. Multiple lines of computational evidence Polyphen - Possibly damaging, SIFT – Damaging and MutationTaster - Disease causing predict a damaging effect on protein structure and function for this variant. The residue is conserved by GERP++ and PhyloP across 100 vertebrates. For these reasons, this variant has been classified as Pathogenic.

Center for Medical Genetics Ghent, University of Ghent
Classification: Pathogenic for Marfan syndrome. Last evaluated: 2017-11-07. Review status: no assertion criteria provided. Collection method: clinical testing. Allele origin: germline. Affected: yes. Not counted in ClinVar's aggregate classification.

Literature cited by the submitters: PubMed 16905551 (cited by Labcorp Genetics (formerly Invitae), Labcorp); PubMed 19349279 (cited by Labcorp Genetics (formerly Invitae), Labcorp); PubMed 16571647 (cited by Labcorp Genetics (formerly Invitae), Labcorp); PubMed 17701892 (cited by Labcorp Genetics (formerly Invitae), Labcorp); PubMed 18435798 (cited by Labcorp Genetics (formerly Invitae), Labcorp).